The following is an entry in ClinVar:

ClinVar aggregate classification (germline): Benign (1 of 4 stars; one submission).

Allele frequency attached by ClinVar (database versions not stated): gnomAD 0.06336 and 0.06801; 1000 Genomes Project 0.07069; TOPMed 0.07078; 1000 Genomes Project 30x 0.07214.
gnomAD v4.1: 9,550 of 152,244 alleles (6.3%); highest among the groups gnomAD compares: African/African-American, 22%; 1,025 homozygotes.

Submission:

GeneDx
Classification: Benign. Last evaluated: 2018-06-14. Review status: criteria provided, single submitter. Criteria: GeneDx Variant Classification (06012015). Collection method: clinical testing. Allele origin: germline. Affected: yes.
Comment: This variant is considered likely benign or benign based on one or more of the following criteria: it is a conservative change, it occurs at a poorly conserved position in the protein, it is predicted to be benign by multiple in silico algorithms, and/or has population frequency not consistent with disease.

NM_001303.4(COX10):c.624+167T>G

Gene: COX10 (cytochrome c oxidase assembly factor heme A:farnesyltransferase COX10; plus strand). Cytogenetic location: 17p12.
Variant type: single nucleotide variant.
Coding change: c.624+167T>G on transcript NM_001303.4 (MANE Select); 167 bases into the intron after coding-DNA position 624, T replaced by G.
Molecular consequence: intron variant.
Genome position (GRCh38, 1-based): chr17:14,102,409, T>G. VCF-style: chr17-14102409-T-G. GRCh37 (hg19) VCF-style: chr17-14005726-T-G.
Identifiers: ClinVar variation 673120 (VCV000673120.1), dbSNP rs9909835, ClinGen allele CA288739459.